The following is an entry in ClinVar:

ClinVar aggregate classification (germline): Uncertain significance (1 of 4 stars; one submission).

Submission:

Labcorp Genetics (formerly Invitae), Labcorp
Classification: Uncertain significance. Last evaluated: 2023-10-03. Review status: criteria provided, single submitter. Criteria: Invitae Variant Classification Sherloc (09022015). Collection method: clinical testing. Allele origin: germline.
Comment: This sequence change replaces aspartic acid, which is acidic and polar, with glutamic acid, which is acidic and polar, at codon 760 of the KCNH1 protein (p.Asp760Glu). This variant is not present in population databases (gnomAD no frequency). This variant has not been reported in the literature in individuals affected with KCNH1-related conditions. ClinVar contains an entry for this variant (Variation ID: 1720506). Advanced modeling of protein sequence and biophysical properties (such as structural, functional, and spatial information, amino acid conservation, physicochemical variation, residue mobility, and thermodynamic stability) performed at Invitae indicates that this missense variant is not expected to disrupt KCNH1 protein function. In summary, the available evidence is currently insufficient to determine the role of this variant in disease. Therefore, it has been classified as a Variant of Uncertain Significance.

NM_172362.3(KCNH1):c.2280C>A (p.Asp760Glu)

Gene: KCNH1 (potassium voltage-gated channel subfamily H member 1; minus strand). Cytogenetic location: 1q32.2.
Variant type: single nucleotide variant.
Coding change: c.2280C>A on transcript NM_172362.3 (MANE Select); coding-DNA position 2280, C replaced by A.
Protein change: p.Asp760Glu; replaces aspartic acid 760 with glutamic acid.
Molecular consequence: missense variant.
Genome position (GRCh38, 1-based): chr1:210,683,971, G>T on the plus strand (C>A on the coding strand, the complement: KCNH1 is on the minus strand). VCF-style: chr1-210683971-G-T. GRCh37 (hg19) VCF-style: chr1-210857313-G-T.
Other names: c.2199C>A, p.Asp733Glu (NM_002238.4); short protein forms D733E, D760E.
Identifiers: ClinVar variation 1720506 (VCV001720506.5), dbSNP rs2149001148, ClinGen allele CA344871495.